The following is an entry in ClinVar:

NM_181426.2(CCDC39):c.364A>G (p.Ile122Val)

Gene: CCDC39 (coiled-coil domain 39 molecular ruler complex subunit; minus strand). Cytogenetic location: 3q26.33.
Variant type: single nucleotide variant.
Coding change: c.364A>G on transcript NM_181426.2 (MANE Select); coding-DNA position 364, A replaced by G.
Protein change: p.Ile122Val; replaces isoleucine 122 with valine.
Molecular consequence: missense variant.
Genome position (GRCh38, 1-based): chr3:180,660,722, T>C on the plus strand (A>G on the coding strand, the complement: CCDC39 is on the minus strand). VCF-style: chr3-180660722-T-C. GRCh37 (hg19) VCF-style: chr3-180378510-T-C.
Other names: short protein forms I122V.
Identifiers: ClinVar variation 655617 (VCV000655617.6), dbSNP rs371541452, ClinGen allele CA88636798.

ClinVar aggregate classification (germline): Uncertain significance (1 of 4 stars; one submission).

Conditions:
Primary ciliary dyskinesia. Also called: Ciliary dyskinesia. Identifiers: Orphanet 244, MedGen C0008780, MONDO:0016575, HP:0012265.

Allele frequency attached by ClinVar (database versions not stated): gnomAD exomes below 0.00001; TOPMed 0.00001; ESP Exome Variant Server 0.00008.
gnomAD v4.1: 3 of 1,599,002 alleles (0.00019%); highest among the groups gnomAD compares: Non-Finnish European, 0.00026%; no homozygotes.

Submission:

Labcorp Genetics (formerly Invitae), Labcorp
Classification: Uncertain significance for Primary ciliary dyskinesia. Last evaluated: 2022-09-06. Review status: criteria provided, single submitter. Criteria: Invitae Variant Classification Sherloc (09022015). Collection method: clinical testing. Allele origin: germline.
Comment: This sequence change replaces isoleucine, which is neutral and non-polar, with valine, which is neutral and non-polar, at codon 122 of the CCDC39 protein (p.Ile122Val). This variant is present in population databases (rs371541452, gnomAD 0.001%). This variant has not been reported in the literature in individuals affected with CCDC39-related conditions. ClinVar contains an entry for this variant (Variation ID: 655617). Algorithms developed to predict the effect of missense changes on protein structure and function are either unavailable or do not agree on the potential impact of this missense change (SIFT: "Tolerated"; PolyPhen-2: "Possibly Damaging"; Align-GVGD: "Class C0"). In summary, the available evidence is currently insufficient to determine the role of this variant in disease. Therefore, it has been classified as a Variant of Uncertain Significance.